The following is an entry in ClinVar:

NM_000053.4(ATP7B):c.4075A>G (p.Met1359Val)

Gene: ATP7B (ATPase copper transporting beta; minus strand). Cytogenetic location: 13q14.3.
Variant type: single nucleotide variant.
Coding change: c.4075A>G on transcript NM_000053.4 (MANE Select); coding-DNA position 4075, A replaced by G.
Protein change: p.Met1359Val; replaces methionine 1359 with valine.
Molecular consequence: missense variant.
Genome position (GRCh38, 1-based): chr13:51,935,642, T>C on the plus strand (A>G on the coding strand, the complement: ATP7B is on the minus strand). VCF-style: chr13-51935642-T-C. GRCh37 (hg19) VCF-style: chr13-52509778-T-C.
Other names: c.4075A>G (NM_000053.3); c.3454A>G, p.Met1152Val (NM_001005918.3); c.3742A>G, p.Met1248Val (NM_001243182.2); c.3841A>G, p.Met1281Val (NM_001330578.2); c.3823A>G, p.Met1275Val (NM_001330579.2); short protein forms M1248V, M1275V, M1359V, M1152V, M1281V.
Identifiers: ClinVar variation 1479963 (VCV001479963.8), dbSNP rs1956914257, ClinGen allele CA388020125.

ClinVar aggregate classification (germline): Pathogenic/Likely pathogenic. Review status: criteria provided, multiple submitters, no conflicts (2 of 4 stars). 3 submissions from 3 submitters: Pathogenic (1); Likely pathogenic (2). Last evaluated 2025-07-22.

Conditions:
Wilson disease (WND). Also called: Wilson's disease. Identifiers: Orphanet 905, MedGen C0019202, MONDO:0010200, OMIM 277900. Disease mechanism: loss of function.

Allele frequency attached by ClinVar (database versions not stated): gnomAD exomes below 0.00001; gnomAD 0.00001.

Submissions (3):

Natera, Inc.
Classification: Likely pathogenic for Wilson disease. Last evaluated: 2025-07-22. Review status: criteria provided, single submitter. Criteria: Natera Variant Classification Schema (03/2026). Collection method: clinical testing. Allele origin: germline.
Comment: The c.4075A>G variant in ATP7B is a missense variant predicted to cause substitution of methionine to valine at amino acid 1359. This variant is rare in the general population with a frequency below the threshold expected for the associated phenotype(s). This variant has been observed in one or more individuals affected with the associated recessive disease, as either homozygous or compound heterozygous with a second variant (PMID: 35220961). Computational prediction algorithms indicate this variant is likely to affect gene or protein function. Given the available evidence, this variant is classified as Likely Pathogenic.

Genomic Medicine Center of Excellence, King Faisal Specialist Hospital and Research Centre
Classification: Pathogenic for Wilson disease. Last evaluated: 2024-03-29. Review status: criteria provided, single submitter. Criteria: ACMG Guidelines, 2015. Collection method: clinical testing. Allele origin: germline.

Labcorp Genetics (formerly Invitae), Labcorp
Classification: Likely pathogenic for Wilson disease. Last evaluated: 2021-09-29. Review status: criteria provided, single submitter. Criteria: Invitae Variant Classification Sherloc (09022015). Collection method: clinical testing. Allele origin: germline.
Comment: This sequence change replaces methionine with valine at codon 1359 of the ATP7B protein (p.Met1359Val). The methionine residue is highly conserved and there is a small physicochemical difference between methionine and valine. This variant is not present in population databases (ExAC no frequency). This variant has been observed in individual(s) with Wilson disease (PMID: 31172689; Invitae). In at least one individual the data is consistent with the variant being in trans (on the opposite chromosome) from a pathogenic variant. Advanced modeling of protein sequence and biophysical properties (such as structural, functional, and spatial information, amino acid conservation, physicochemical variation, residue mobility, and thermodynamic stability) performed at Invitae indicates that this missense variant is expected to disrupt ATP7B protein function. In summary, the currently available evidence indicates that the variant is pathogenic, but additional data are needed to prove that conclusively. Therefore, this variant has been classified as Likely Pathogenic.

Literature cited by the submitters: PubMed 35220961 (cited by Natera, Inc.); PubMed 31172689 (cited by Labcorp Genetics (formerly Invitae), Labcorp).